The following is an entry in ClinVar:

ClinVar aggregate classification (germline): Uncertain significance (1 of 4 stars; one submission).

Conditions:
Myopathy, tubular aggregate, 2 (TAM2). Identifiers: MedGen C4014557, MONDO:0014383, OMIM 615883.
Combined immunodeficiency due to ORAI1 deficiency. Also called: IMMUNODEFICIENCY 9. Identifiers: Orphanet 169090, Orphanet 317428, MedGen C2748568, MONDO:0013007, OMIM 612782.

Submission:

Labcorp Genetics (formerly Invitae), Labcorp
Classification: Uncertain significance for Myopathy, tubular aggregate, 2; Combined immunodeficiency due to ORAI1 deficiency. Last evaluated: 2024-12-09. Review status: criteria provided, single submitter. Criteria: Invitae Variant Classification Sherloc (09022015). Collection method: clinical testing. Allele origin: germline.
Comment: This sequence change replaces serine, which is neutral and polar, with arginine, which is basic and polar, at codon 90 of the ORAI1 protein (p.Ser90Arg). This variant is not present in population databases (gnomAD no frequency). This variant has not been reported in the literature in individuals affected with ORAI1-related conditions. Experimental studies and prediction algorithms are not available or were not evaluated, and the functional significance of this variant is currently unknown. In summary, the available evidence is currently insufficient to determine the role of this variant in disease. Therefore, it has been classified as a Variant of Uncertain Significance.

NM_032790.4(ORAI1):c.268A>C (p.Ser90Arg)

Genes: ORAI1 (ORAI calcium release-activated calcium modulator 1; plus strand), LOC130008987 (ATAC-STARR-seq lymphoblastoid silent region 4981; plus strand). Cytogenetic location: 12q24.31.
Variant type: single nucleotide variant.
Coding change: c.268A>C on transcript NM_032790.4 (MANE Select); coding-DNA position 268, A replaced by C.
Protein change: p.Ser90Arg; replaces serine 90 with arginine.
Molecular consequence: missense variant.
Genome position (GRCh38, 1-based): chr12:121,627,015, A>C. VCF-style: chr12-121627015-A-C.
Other names: short protein forms S90R.
Identifiers: ClinVar variation 3750912 (VCV003750912.2).